The following is an entry in ClinVar:

ClinVar aggregate classification (germline): Uncertain significance. Review status: criteria provided, multiple submitters, no conflicts (2 of 4 stars). 2 submissions from 2 submitters: Uncertain significance (2). Last evaluated 2023-05-08.

Conditions:
Intellectual disability and myopathy syndrome (IDMYS). Identifiers: MedGen C5676904, MONDO:0859224, OMIM 619719.
Dilated cardiomyopathy 1O (CMD1O). Also called: CARDIOMYOPATHY, DILATED, WITH VENTRICULAR TACHYCARDIA. Identifiers: Orphanet 154, MedGen C1837839, MONDO:0012062, OMIM 608569.
Atrial fibrillation, familial, 12 (ATFB12). Identifiers: MedGen C3279695, MONDO:0013545, OMIM 614050.
Hypertrichotic osteochondrodysplasia Cantu type. Also called: Cantu Syndrome; Cantú Syndrome. Identifiers: Orphanet 1517, MedGen C0795905, MONDO:0009406, OMIM 239850.

Allele frequency attached by ClinVar (database versions not stated): gnomAD exomes below 0.00001; TOPMed 0.00001.
gnomAD v4.1: 1 of 1,613,030 alleles (0.000062%); highest among the groups gnomAD compares: African/African-American, 0.0013%; no homozygotes.

Submissions (2):

Labcorp Genetics (formerly Invitae), Labcorp
Classification: Uncertain significance for Dilated cardiomyopathy 1O. Last evaluated: 2023-05-08. Review status: criteria provided, single submitter. Criteria: Invitae Variant Classification Sherloc (09022015). Collection method: clinical testing. Allele origin: germline.
Comment: This variant is not present in population databases (gnomAD no frequency). In summary, the available evidence is currently insufficient to determine the role of this variant in disease. Therefore, it has been classified as a Variant of Uncertain Significance. Advanced modeling of protein sequence and biophysical properties (such as structural, functional, and spatial information, amino acid conservation, physicochemical variation, residue mobility, and thermodynamic stability) has been performed at Invitae for this missense variant, however the output from this modeling did not meet the statistical confidence thresholds required to predict the impact of this variant on ABCC9 protein function. ClinVar contains an entry for this variant (Variation ID: 1035510). This variant has not been reported in the literature in individuals affected with ABCC9-related conditions. This sequence change replaces lysine, which is basic and polar, with asparagine, which is neutral and polar, at codon 241 of the ABCC9 protein (p.Lys241Asn).

Fulgent Genetics
Classification: Uncertain significance for Hypertrichotic osteochondrodysplasia Cantu type; Dilated cardiomyopathy 1O; Atrial fibrillation, familial, 12; Intellectual disability and myopathy syndrome. Last evaluated: 2021-07-29. Review status: criteria provided, single submitter. Criteria: ACMG Guidelines, 2015. Collection method: clinical testing. Allele origin: unknown.

NM_020297.4(ABCC9):c.723G>T (p.Lys241Asn)

Gene: ABCC9 (ATP binding cassette subfamily C member 9; minus strand). Cytogenetic location: 12p12.1.
Variant type: single nucleotide variant.
Coding change: c.723G>T on transcript NM_020297.4 (MANE Select); coding-DNA position 723, G replaced by T.
Protein change: p.Lys241Asn; replaces lysine 241 with asparagine.
Molecular consequence: missense variant. On other transcripts: intron variant (1).
Genome position (GRCh38, 1-based): chr12:21,915,761, C>A on the plus strand (G>T on the coding strand, the complement: ABCC9 is on the minus strand). VCF-style: chr12-21915761-C-A. GRCh37 (hg19) VCF-style: chr12-22068695-C-A.
Other names: c.723G>T, p.Lys241Asn (NM_001377273.1, NM_005691.4); c.-48-2695G>T (NM_001377274.1); short protein forms K241N.
Identifiers: ClinVar variation 1035510 (VCV001035510.8), dbSNP rs1948578084, ClinGen allele CA384123923.